The following is an entry in ClinVar:

ClinVar aggregate classification (germline): Uncertain significance (1 of 4 stars; one submission).

gnomAD v4.1: 6 of 1,547,588 alleles (0.00039%); highest among the groups gnomAD compares: African/African-American, 0.0043%; no homozygotes.

Submission:

Women's Health and Genetics/Laboratory Corporation of America, LabCorp
Classification: Uncertain significance. Last evaluated: 2025-05-13. Review status: criteria provided, single submitter. Criteria: LabCorp Variant Classification Summary - May 2015. Collection method: clinical testing. Allele origin: germline.
Comment: Variant summary: WAC c.-14C>T is located in the untranslated mRNA region upstream of the initiation codon. The variant allele was found at a frequency of 1.4e-05 in 218148 control chromosomes. The available data on variant occurrences in the general population are insufficient to allow any conclusion about variant significance. To our knowledge, no occurrence of c.-14C>T in individuals affected with Desanto-Shinawi Syndrome and no experimental evidence demonstrating its impact on protein function have been reported. No submitters have cited clinical-significance assessments for this variant to ClinVar. Based on the evidence outlined above, the variant was classified as uncertain significance.

NM_016628.5(WAC):c.-14C>T

Genes: WAC (WW domain containing adaptor with coiled-coil; plus strand), LOC130003574 (ATAC-STARR-seq lymphoblastoid silent region 2253; plus strand). Cytogenetic location: 10p12.1.
Variant type: single nucleotide variant.
Coding change: c.-14C>T on transcript NM_016628.5 (MANE Select); 14 bases upstream of the start codon, C replaced by T.
Molecular consequence: 5 prime UTR variant. On other transcripts: intron variant (1).
Genome position (GRCh38, 1-based): chr10:28,533,566, C>T. VCF-style: chr10-28533566-C-T. GRCh37 (hg19) VCF-style: chr10-28822495-C-T.
Other names: c.-14C>T (NM_100486.4); c.-94-432C>T (NM_100264.3).
Identifiers: ClinVar variation 3902270 (VCV003902270.1).